The following is an entry in ClinVar:

NM_003737.4(DCHS1):c.8657G>T (p.Gly2886Val)

Gene: DCHS1 (dachsous cadherin-related 1; minus strand). Cytogenetic location: 11p15.4.
Variant type: single nucleotide variant.
Coding change: c.8657G>T on transcript NM_003737.4 (MANE Select); coding-DNA position 8657, G replaced by T.
Protein change: p.Gly2886Val; replaces glycine 2886 with valine.
Molecular consequence: missense variant.
Genome position (GRCh38, 1-based): chr11:6,623,019, C>A on the plus strand (G>T on the coding strand, the complement: DCHS1 is on the minus strand). VCF-style: chr11-6623019-C-A. GRCh37 (hg19) VCF-style: chr11-6644250-C-A.
Other names: short protein forms G2886V.
Identifiers: ClinVar variation 2855596 (VCV002855596.3), dbSNP rs1170558694, ClinGen allele CA379480577.

ClinVar aggregate classification (germline): Uncertain significance (1 of 4 stars; one submission).

Submission:

Labcorp Genetics (formerly Invitae), Labcorp
Classification: Uncertain significance. Last evaluated: 2023-10-04. Review status: criteria provided, single submitter. Criteria: Invitae Variant Classification Sherloc (09022015). Collection method: clinical testing. Allele origin: germline.
Comment: This sequence change replaces glycine, which is neutral and non-polar, with valine, which is neutral and non-polar, at codon 2886 of the DCHS1 protein (p.Gly2886Val). This variant is not present in population databases (gnomAD no frequency). This variant has not been reported in the literature in individuals affected with DCHS1-related conditions. Advanced modeling of protein sequence and biophysical properties (such as structural, functional, and spatial information, amino acid conservation, physicochemical variation, residue mobility, and thermodynamic stability) performed at Invitae indicates that this missense variant is expected to disrupt DCHS1 protein function. In summary, the available evidence is currently insufficient to determine the role of this variant in disease. Therefore, it has been classified as a Variant of Uncertain Significance.